The following is an entry in ClinVar:

NM_020366.4(RPGRIP1):c.3248C>T (p.Ser1083Phe)

Gene: RPGRIP1 (RPGR interacting protein 1; plus strand). Cytogenetic location: 14q11.2.
Variant type: single nucleotide variant.
Coding change: c.3248C>T on transcript NM_020366.4 (MANE Select); coding-DNA position 3248, C replaced by T.
Protein change: p.Ser1083Phe; replaces serine 1083 with phenylalanine.
Molecular consequence: missense variant.
Genome position (GRCh38, 1-based): chr14:21,334,614, C>T. VCF-style: chr14-21334614-C-T. GRCh37 (hg19) VCF-style: chr14-21802773-C-T.
Other names: c.1226C>T, p.Ser409Phe (NM_001377523.1, NM_001377950.1); c.2174C>T, p.Ser725Phe (NM_001377948.1); c.1334C>T, p.Ser445Phe (NM_001377949.1); c.731C>T, p.Ser244Phe (NM_001377951.1); c.3248C>T (NM_020366.3); short protein forms S1083F, S244F, S409F, S445F, S725F.
Identifiers: ClinVar variation 1024672 (VCV001024672.9), dbSNP rs751421999, ClinGen allele CA388873052.
Genomic context (GRCh38, chr14:21,334,614, plus strand): 5'-GGGCTAAAGTGCTTTGAAACAGTTCTATAACTGCAACCTCTTCTCTAGCAGACAAAGAAT[C>T]CTCTGAACAAGGTTCTGAAGTCAGTGAAGCACAAACTACCGACAGTGATGATGTCATAGT-3'
Protein context (NP_065099.3, residues 1073-1093): EPLHPVNDKE[Ser1083Phe]SEQGSEVSEA

ClinVar aggregate classification (germline): Uncertain significance. Review status: criteria provided, multiple submitters, no conflicts (2 of 4 stars). 2 submissions from 2 submitters: Uncertain significance (2). Last evaluated 2024-08-10.

Conditions:
Inborn genetic diseases. Identifiers: MedGen C0950123, MeSH D030342.
Cone-rod dystrophy 13 (CORD13). Identifiers: Orphanet 1872, MedGen C2750720, MONDO:0011987, OMIM 608194.
Leber congenital amaurosis 6 (LCA6). Identifiers: Orphanet 65, MedGen C1854260, MONDO:0013446, OMIM 613826.

Allele frequency attached by ClinVar (database versions not stated): TOPMed 0.00002.
gnomAD v4.1: 3 of 1,604,950 alleles (0.00019%); highest among the groups gnomAD compares: East Asian, 0.0067%; no homozygotes.

Submissions (2):

Ambry Genetics
Classification: Uncertain significance for Inborn genetic diseases. Last evaluated: 2024-08-10. Review status: criteria provided, single submitter. Criteria: Ambry Variant Classification Scheme 2023. Collection method: clinical testing. Allele origin: germline.

Labcorp Genetics (formerly Invitae), Labcorp
Classification: Uncertain significance for Leber congenital amaurosis 6; Cone-rod dystrophy 13. Last evaluated: 2020-03-30. Review status: criteria provided, single submitter. Criteria: Invitae Variant Classification Sherloc (09022015). Collection method: clinical testing. Allele origin: germline.
Comment: In summary, the available evidence is currently insufficient to determine the role of this variant in disease. Therefore, it has been classified as a Variant of Uncertain Significance. Algorithms developed to predict the effect of missense changes on protein structure and function output the following: SIFT: "Tolerated"; PolyPhen-2: "Benign"; Align-GVGD: "Class C0". The phenylalanine amino acid residue is found in multiple mammalian species, suggesting that this missense change does not adversely affect protein function. These predictions have not been confirmed by published functional studies and their clinical significance is uncertain. This variant has not been reported in the literature in individuals with RPGRIP1-related conditions. This variant is not present in population databases (ExAC no frequency). This sequence change replaces serine with phenylalanine at codon 1083 of the RPGRIP1 protein (p.Ser1083Phe). The serine residue is moderately conserved and there is a large physicochemical difference between serine and phenylalanine.